The following is an entry in ClinVar:

NM_001244008.2(KIF1A):c.430-225A>T

Gene: KIF1A (kinesin family member 1A; minus strand). Cytogenetic location: 2q37.3.
Variant type: single nucleotide variant.
Coding change: c.430-225A>T on transcript NM_001244008.2 (MANE Select); 225 bases into the intron before coding-DNA position 430, A replaced by T.
Molecular consequence: intron variant.
Genome position (GRCh38, 1-based): chr2:240,786,738, T>A on the plus strand (A>T on the coding strand, the complement: KIF1A is on the minus strand). VCF-style: chr2-240786738-T-A. GRCh37 (hg19) VCF-style: chr2-241726155-T-A.
Other names: c.430-225A>T (NM_001379653.1, NM_001379650.1, NM_001379645.1 and 20 more transcripts).
Identifiers: ClinVar variation 672263 (VCV000672263.1), dbSNP rs945391616, ClinGen allele CA68141447.

ClinVar aggregate classification (germline): Benign (1 of 4 stars; one submission).

Allele frequency attached by ClinVar (database versions not stated): gnomAD 0.03603 and 0.03913.
gnomAD v4.1: 851 of 23,730 alleles (3.6%); highest among the groups gnomAD compares: African/African-American, 11%; 27 homozygotes.

Submission:

GeneDx
Classification: Benign. Last evaluated: 2018-06-19. Review status: criteria provided, single submitter. Criteria: GeneDx Variant Classification (06012015). Collection method: clinical testing. Allele origin: germline. Affected: yes.
Comment: This variant is considered likely benign or benign based on one or more of the following criteria: it is a conservative change, it occurs at a poorly conserved position in the protein, it is predicted to be benign by multiple in silico algorithms, and/or has population frequency not consistent with disease.